The following is an entry in ClinVar:

ClinVar aggregate classification (germline): Uncertain significance (1 of 4 stars; one submission).

Submission:

GeneDx
Classification: Uncertain significance. Last evaluated: 2025-02-03. Review status: criteria provided, single submitter. Criteria: GeneDx Variant Classification Process June 2021. Collection method: clinical testing. Allele origin: germline. Affected: yes.
Comment: Not observed at significant frequency in large population cohorts (gnomAD); In silico analysis indicates that this missense variant does not alter protein structure/function; Has not been previously published as pathogenic or benign to our knowledge

NM_014846.4(WASHC5):c.676A>G (p.Ile226Val)

Gene: WASHC5 (WASH complex subunit 5; minus strand). Cytogenetic location: 8q24.13.
Variant type: single nucleotide variant.
Coding change: c.676A>G on transcript NM_014846.4 (MANE Select); coding-DNA position 676, A replaced by G.
Protein change: p.Ile226Val; replaces isoleucine 226 with valine.
Molecular consequence: missense variant.
Genome position (GRCh38, 1-based): chr8:125,078,773, T>C on the plus strand (A>G on the coding strand, the complement: WASHC5 is on the minus strand). VCF-style: chr8-125078773-T-C. GRCh37 (hg19) VCF-style: chr8-126091015-T-C.
Other names: c.232A>G, p.Ile78Val (NM_001330609.2); short protein forms I226V, I78V.
Identifiers: ClinVar variation 4072798 (VCV004072798.1).
Genomic context (GRCh38, chr8:125,078,773, plus strand): 5'-AGGTCTTAATAGATTTAATTCCCACCTGGTTGTAAATATCATCAGATCTCAGTCGACCAA[T>C]GACCATACTGATGAAGGATTCGTTGATAGGCACTCTCTGGAAATAGCTCTCGGGATAGTT-3'
Protein context (NP_055661.3, residues 216-236): PINESFISMV[Ile226Val]GRLRSDDIYN